The following is an entry in ClinVar:

ClinVar aggregate classification (germline): Uncertain significance. Review status: criteria provided, multiple submitters, no conflicts (2 of 4 stars). 2 submissions from 2 submitters: Uncertain significance (2). Last evaluated 2025-11-25.

Conditions:
Hereditary cancer-predisposing syndrome. Also called: Tumor predisposition; Hereditary Cancer Syndrome; Neoplastic Syndromes, Hereditary; Hereditary neoplastic syndrome. Identifiers: Orphanet 140162, MedGen C0027672, MeSH D009386, MONDO:0015356.
Hereditary nonpolyposis colorectal neoplasms. Identifiers: MedGen C0009405, MeSH D003123.

Submissions (2):

Labcorp Genetics (formerly Invitae), Labcorp
Classification: Uncertain significance for Hereditary nonpolyposis colorectal neoplasms. Last evaluated: 2025-11-25. Review status: criteria provided, single submitter. Criteria: Invitae Variant Classification Sherloc (09022015). Collection method: clinical testing. Allele origin: germline.
Comment: This sequence change replaces isoleucine, which is neutral and non-polar, with leucine, which is neutral and non-polar, at codon 872 of the MSH6 protein (p.Ile872Leu). This variant is not present in population databases (gnomAD no frequency). This variant has not been reported in the literature in individuals affected with MSH6-related conditions. ClinVar contains an entry for this variant (Variation ID: 1793839). Invitae Evidence Modeling of protein sequence and biophysical properties (such as structural, functional, and spatial information, amino acid conservation, physicochemical variation, residue mobility, and thermodynamic stability) indicates that this missense variant is not expected to disrupt MSH6 protein function with a negative predictive value of 95%. In summary, the available evidence is currently insufficient to determine the role of this variant in disease. Therefore, it has been classified as a Variant of Uncertain Significance.

Ambry Genetics
Classification: Uncertain significance for Hereditary cancer-predisposing syndrome. Last evaluated: 2021-03-24. Review status: criteria provided, single submitter. Criteria: Ambry Variant Classification Scheme 2023. Collection method: clinical testing. Allele origin: germline.
Comment: The p.I872L variant (also known as c.2614A>T), located in coding exon 4 of the MSH6 gene, results from an A to T substitution at nucleotide position 2614. The isoleucine at codon 872 is replaced by leucine, an amino acid with highly similar properties. This amino acid position is not well conserved in available vertebrate species. In addition, this alteration is predicted to be tolerated by in silico analysis. Since supporting evidence is limited at this time, the clinical significance of this alteration remains unclear.

NM_000179.3(MSH6):c.2614A>T (p.Ile872Leu)

Gene: MSH6 (mutS homolog 6; plus strand). Cytogenetic location: 2p16.3.
Variant type: single nucleotide variant.
Coding change: c.2614A>T on transcript NM_000179.3 (MANE Select); coding-DNA position 2614, A replaced by T.
Protein change: p.Ile872Leu; replaces isoleucine 872 with leucine.
Molecular consequence: missense variant.
Genome position (GRCh38, 1-based): chr2:47,800,597, A>T. VCF-style: chr2-47800597-A-T. GRCh37 (hg19) VCF-style: chr2-48027736-A-T.
Other names: c.2089A>T, p.Ile697Leu (NM_001406807.1, NM_001406799.1, NM_001406806.1); c.1708A>T, p.Ile570Leu (NM_001406812.1, NM_001406811.1, NM_001281493.2 and 6 more transcripts); c.2614A>T, p.Ile872Leu (NM_001406808.1, NM_001406809.1, NM_001406796.1 and 2 more transcripts); c.2620A>T, p.Ile874Leu (NM_001406813.1); c.2224A>T, p.Ile742Leu (NM_001281492.2); c.2710A>T, p.Ile904Leu (NM_001406795.1, NM_001406802.1); c.2317A>T, p.Ile773Leu (NM_001406797.1, NM_001406801.1, NM_001406805.1 and 10 more transcripts); c.2536A>T, p.Ile846Leu (NM_001406804.1); and 1 more; short protein forms I742L, I570L, I773L, I872L, I816L, I846L, I904L, I697L.
Identifiers: ClinVar variation 1793839 (VCV001793839.3), dbSNP rs1060502939, ClinGen allele CA346754998.
Genomic context (GRCh38, chr2:47,800,597, plus strand): 5'-AAGAAGAAGATTATTGATTTTCTTTCTGCTCTGGAAGGATTCAAAGTAATGTGTAAAATT[A>T]TAGGGATCATGGAAGAAGTTGCTGATGGTTTTAAGTCTAAAATCCTTAAGCAGGTCATCT-3'
Protein context (NP_000170.1, residues 862-882): LEGFKVMCKI[Ile872Leu]GIMEEVADGF